The following is an entry in ClinVar:

ClinVar aggregate classification (germline): Uncertain significance (1 of 4 stars; one submission).

Conditions:
Disseminated atypical mycobacterial infection. Identifiers: MedGen C0694566.

Submission:

Labcorp Genetics (formerly Invitae), Labcorp
Classification: Uncertain significance for Disseminated atypical mycobacterial infection. Last evaluated: 2024-09-09. Review status: criteria provided, single submitter. Criteria: Invitae Variant Classification Sherloc (09022015). Collection method: clinical testing. Allele origin: germline.
Comment: This sequence change replaces alanine, which is neutral and non-polar, with proline, which is neutral and non-polar, at codon 17 of the IFNGR1 protein (p.Ala17Pro). This variant is not present in population databases (gnomAD no frequency). This variant has not been reported in the literature in individuals affected with IFNGR1-related conditions. An algorithm developed to predict the effect of missense changes on protein structure and function (PolyPhen-2) suggests that this variant is likely to be disruptive. In summary, the available evidence is currently insufficient to determine the role of this variant in disease. Therefore, it has been classified as a Variant of Uncertain Significance.

NM_000416.3(IFNGR1):c.49G>C (p.Ala17Pro)

Gene: IFNGR1 (interferon gamma receptor 1; minus strand). Cytogenetic location: 6q23.3.
Variant type: single nucleotide variant.
Coding change: c.49G>C on transcript NM_000416.3 (MANE Select); coding-DNA position 49, G replaced by C.
Protein change: p.Ala17Pro; replaces alanine 17 with proline.
Molecular consequence: missense variant.
Genome position (GRCh38, 1-based): chr6:137,219,279, C>G on the plus strand (G>C on the coding strand, the complement: IFNGR1 is on the minus strand). VCF-style: chr6-137219279-C-G. GRCh37 (hg19) VCF-style: chr6-137540416-C-G.
Other names: short protein forms A17P.
Identifiers: ClinVar variation 3606074 (VCV003606074.2).
Genomic context (GRCh38, chr6:137,219,279, plus strand): 5'-CAGCCCTGCCGCGAACGACGGTACCTGAGGACGGCCCCAGATCCGCGGTGCCCATCTCAG[C>G]CCTGCTCACACCCTGCATGACAAGGGGTAGGAGAAAGAGGAGAGCCATGCTGCTACCGAC-3'
Protein context (NP_000407.1, residues 7-27): LPLVMQGVSR[Ala17Pro]EMGTADLGPS